The following is an entry in ClinVar:

ClinVar aggregate classification (germline): Uncertain significance (1 of 4 stars; one submission).

gnomAD v4.1: 2 of 1,614,086 alleles (0.00012%); highest among the groups gnomAD compares: Non-Finnish European, 0.00017%; no homozygotes.

Submission:

GeneDx
Classification: Uncertain significance. Last evaluated: 2024-11-20. Review status: criteria provided, single submitter. Criteria: GeneDx Variant Classification Process June 2021. Collection method: clinical testing. Allele origin: germline. Affected: yes.
Comment: Not observed at significant frequency in large population cohorts (gnomAD); In silico analysis indicates that this missense variant does not alter protein structure/function; Has not been previously published as pathogenic or benign to our knowledge

NM_001378418.1(TCF20):c.3223C>T (p.Pro1075Ser)

Gene: TCF20 (transcription factor 20; minus strand). Cytogenetic location: 22q13.2.
Variant type: single nucleotide variant.
Coding change: c.3223C>T on transcript NM_001378418.1 (MANE Select); coding-DNA position 3223, C replaced by T.
Protein change: p.Pro1075Ser; replaces proline 1075 with serine.
Molecular consequence: missense variant.
Genome position (GRCh38, 1-based): chr22:42,212,083, G>A on the plus strand (C>T on the coding strand, the complement: TCF20 is on the minus strand). VCF-style: chr22-42212083-G-A. GRCh37 (hg19) VCF-style: chr22-42608089-G-A.
Other names: c.3223C>T, p.Pro1075Ser (NM_005650.4, NM_181492.3); short protein forms P1075S.
Identifiers: ClinVar variation 3900571 (VCV003900571.1).